The following is an entry in ClinVar:

ClinVar aggregate classification (germline): Uncertain significance. Review status: criteria provided, single submitter (1 of 4 stars). 2 submissions from 2 submitters: Uncertain significance (1). 1 of the submissions does not count toward it. Last evaluated 2025-09-02.

Conditions:
Senior-Loken syndrome 9 (SLSN9). Identifiers: Orphanet 3156, MedGen C4225263, MONDO:0014712, OMIM 616629.

Allele frequency attached by ClinVar (database versions not stated): gnomAD exomes below 0.00001.

Submissions (2):

Labcorp Genetics (formerly Invitae), Labcorp
Classification: Uncertain significance. Last evaluated: 2025-09-02. Review status: criteria provided, single submitter. Criteria: Invitae Variant Classification Sherloc (09022015). Collection method: clinical testing. Allele origin: germline.
Comment: This sequence change replaces valine, which is neutral and non-polar, with alanine, which is neutral and non-polar, at codon 125 of the TRAF3IP1 protein (p.Val125Ala). This variant is present in population databases (no rsID available, gnomAD 0.0009%). This missense change has been observed in individual(s) with TRAF3IP1-related conditions (PMID: 26487268). ClinVar contains an entry for this variant (Variation ID: 254145). Invitae Evidence Modeling of protein sequence and biophysical properties (such as structural, functional, and spatial information, amino acid conservation, physicochemical variation, residue mobility, and thermodynamic stability) indicates that this missense variant is expected to disrupt TRAF3IP1 protein function with a positive predictive value of 80%. This variant disrupts the p.Val125 amino acid residue in TRAF3IP1. Other variant(s) that disrupt this residue have been determined to be pathogenic (PMID: 26487268). This suggests that this residue is clinically significant, and that variants that disrupt this residue are likely to be disease-causing. In summary, the available evidence is currently insufficient to determine the role of this variant in disease. Therefore, it has been classified as a Variant of Uncertain Significance.

OMIM
Classification: Pathogenic for SENIOR-LOKEN SYNDROME 9. Last evaluated: 2016-09-06. Review status: no assertion criteria provided. Collection method: literature only. Allele origin: germline. Not counted in ClinVar's aggregate classification.

Literature cited by the submitters: PubMed 26487268 (cited by Labcorp Genetics (formerly Invitae), Labcorp and OMIM).

NM_015650.4(TRAF3IP1):c.374T>C (p.Val125Ala)

Gene: TRAF3IP1 (TRAF3 interacting protein 1; plus strand). Cytogenetic location: 2q37.3.
Variant type: single nucleotide variant.
Coding change: c.374T>C on transcript NM_015650.4 (MANE Select); coding-DNA position 374, T replaced by C.
Protein change: p.Val125Ala; replaces valine 125 with alanine.
Molecular consequence: missense variant.
Genome position (GRCh38, 1-based): chr2:238,328,705, T>C. VCF-style: chr2-238328705-T-C. GRCh37 (hg19) VCF-style: chr2-239237346-T-C.
Other names: c.374T>C, p.Val125Ala (NM_001139490.1); short protein forms V125A.
Identifiers: ClinVar variation 254145 (VCV000254145.2), dbSNP rs886037896, ClinGen allele CA10586343.